The following is an entry in ClinVar:

NM_004385.5(VCAN):c.2159T>C (p.Val720Ala)

Gene: VCAN (versican; plus strand). Cytogenetic location: 5q14.3.
Variant type: single nucleotide variant.
Coding change: c.2159T>C on transcript NM_004385.5 (MANE Select); coding-DNA position 2159, T replaced by C.
Protein change: p.Val720Ala; replaces valine 720 with alanine.
Molecular consequence: missense variant. On other transcripts: intron variant (2).
Genome position (GRCh38, 1-based): chr5:83,520,465, T>C. VCF-style: chr5-83520465-T-C. GRCh37 (hg19) VCF-style: chr5-82816284-T-C.
Other names: c.2159T>C, p.Val720Ala (NM_001164098.2); c.1042+8069T>C (NM_001164097.2, NM_001126336.3); short protein forms V720A.
Identifiers: ClinVar variation 354403 (VCV000354403.41), dbSNP rs76418670, ClinGen allele CA3332800.

ClinVar aggregate classification (germline): Benign/Likely benign. Review status: criteria provided, multiple submitters, no conflicts (2 of 4 stars). 5 submissions from 5 submitters: Benign (2); Likely benign (3). Last evaluated 2026-05-01.

Conditions:
Vitreoretinopathy. Also called: Vitreoretinal degeneration. Identifiers: MedGen C0344290, MONDO:0020248, HP:0007773.

Allele frequency attached by ClinVar (database versions not stated): ESP Exome Variant Server 0.00246; 1000 Genomes Project 0.00140; 1000 Genomes Project 30x 0.00172; gnomAD 0.00193 and 0.00222; ExAC 0.00200; gnomAD exomes 0.00201; TOPMed 0.00228.
gnomAD v4.1: 5,054 of 1,613,766 alleles (0.31%); highest among the groups gnomAD compares: Non-Finnish European, 0.39%; 16 homozygotes.

Submissions (5):

CeGaT Center for Human Genetics Tuebingen
Classification: Benign. Last evaluated: 2026-05-01. Review status: criteria provided, single submitter. Criteria: CeGaT Center For Human Genetics Tuebingen Variant Classification Criteria Version 2. Collection method: clinical testing. Allele origin: germline. Affected: yes. Observed: 4 variant alleles.
Comment: VCAN: BP4, BS1, BS2

Labcorp Genetics (formerly Invitae), Labcorp
Classification: Likely benign. Last evaluated: 2026-01-24. Review status: criteria provided, single submitter. Criteria: Invitae Variant Classification Sherloc (09022015). Collection method: clinical testing. Allele origin: germline.

Blueprint Genetics
Classification: Likely benign. Last evaluated: 2024-11-19. Review status: criteria provided, single submitter. Criteria: ACMG Guidelines, 2015. Collection method: clinical testing. Allele origin: germline.

Illumina Laboratory Services, Illumina
Classification: Benign for Vitreoretinopathy. Last evaluated: 2018-01-12. Review status: criteria provided, single submitter. Criteria: ICSL Variant Classification Criteria 13 December 2019. Collection method: clinical testing. Allele origin: germline.
Comment: This variant was observed in the ICSL laboratory as part of a predisposition screen in an ostensibly healthy population. It had not been previously curated by ICSL or reported in the Human Gene Mutation Database (HGMD: prior to June 1st, 2018), and was therefore a candidate for classification through an automated scoring system. Utilizing variant allele frequency, disease prevalence and penetrance estimates, and inheritance mode, an automated score was calculated to assess if this variant is too frequent to cause the disease. Based on the score and internal cut-off values, a variant classified as benign is not then subjected to further curation. The score for this variant resulted in a classification of benign for this disease.

Breakthrough Genomics
Classification: Likely benign. Review status: criteria provided, single submitter. Criteria: ACMG Guidelines, 2015. Collection method: not provided. Allele origin: germline. Inheritance: Autosomal dominant inheritance. Affected: yes.